The following is an entry in ClinVar:

ClinVar aggregate classification (germline): Likely benign (0 of 4 stars; one submission).

Conditions:
IFT74-related disorder. Also called: IFT74-related condition; IFT74-Related Disorders.

gnomAD v4.1: 1 of 1,583,138 alleles (0.000063%); highest among the groups gnomAD compares: Non-Finnish European, 0.000086%; no homozygotes.

Submission:

PreventionGenetics, part of Exact Sciences
Classification: Likely benign for IFT74-related condition. Last evaluated: 2021-01-27. Review status: no assertion criteria provided. Collection method: clinical testing. Allele origin: germline.
Comment: This variant is classified as likely benign based on ACMG/AMP sequence variant interpretation guidelines (Richards et al. 2015 PMID: 25741868, with internal and published modifications).

NM_025103.4(IFT74):c.1623+7A>G

Gene: IFT74 (intraflagellar transport 74; plus strand). Cytogenetic location: 9p21.2.
Variant type: single nucleotide variant.
Coding change: c.1623+7A>G on transcript NM_025103.4 (MANE Select); 7 bases into the intron after coding-DNA position 1623, A replaced by G.
Molecular consequence: intron variant.
Genome position (GRCh38, 1-based): chr9:27,056,466, A>G. VCF-style: chr9-27056466-A-G. GRCh37 (hg19) VCF-style: chr9-27056464-A-G.
Other names: c.1623+7A>G (NM_001099223.3, NM_001099222.3, NM_001349928.2).
Identifiers: ClinVar variation 3358123 (VCV003358123.1).
Genomic context (GRCh38, chr9:27,056,466, plus strand): 5'-ATAGAGTATGAGGCACTAAAAACACAATTGCAAGAAAATGAGACACATTCTCAGGTAAAA[A>G]ATGTTTTAAATGACTTTGAAATTGTCTTAGTCTATATTTTCACCCCAAAACAATCAATTT-3'